The following is an entry in ClinVar:

NM_206933.4(USH2A):c.10627C>T (p.Arg3543Cys)

Gene: USH2A (usherin; minus strand). Cytogenetic location: 1q41.
Variant type: single nucleotide variant.
Coding change: c.10627C>T on transcript NM_206933.4 (MANE Select); coding-DNA position 10627, C replaced by T.
Protein change: p.Arg3543Cys; replaces arginine 3543 with cysteine.
Molecular consequence: missense variant.
Genome position (GRCh38, 1-based): chr1:215,782,155, G>A on the plus strand (C>T on the coding strand, the complement: USH2A is on the minus strand). VCF-style: chr1-215782155-G-A. GRCh37 (hg19) VCF-style: chr1-215955497-G-A.
Other names: short protein forms R3543C.
Identifiers: ClinVar variation 2050421 (VCV002050421.4), dbSNP rs769798493, ClinGen allele CA1393968.
Genomic context (GRCh38, chr1:215,782,155, plus strand): 5'-ATTCCTGAAATGGTTGAATTCCCTCTTTATCAGAGAAGCTCAGTGATGTTCCCCGAAAAC[G>A]TTCAATTCCATTTCGAAGAAGGATGTAGTAAATAATAGGACCTAAAAGAAGCAGAAAAAT-3'
Protein context (NP_996816.3, residues 3533-3553): YYILLRNGIE[Arg3543Cys]FRGTSLSFSD

ClinVar aggregate classification (germline): Uncertain significance. Review status: criteria provided, multiple submitters, no conflicts (2 of 4 stars). 3 submissions from 3 submitters: Uncertain significance (3). Last evaluated 2025-12-15.

Conditions:
Retinal dystrophy. Also called: Inherited retinal dystrophy. Identifiers: Orphanet 71862, MedGen C0854723, MeSH D058499, MONDO:0019118, HP:0000556.

Allele frequency attached by ClinVar (database versions not stated): gnomAD 0.00001; TOPMed 0.00002; ExAC 0.00003.
gnomAD v4.1: 27 of 1,613,782 alleles (0.0017%); highest among the groups gnomAD compares: East Asian, 0.02%; no homozygotes.

Submissions (3):

Labcorp Genetics (formerly Invitae), Labcorp
Classification: Uncertain significance. Last evaluated: 2025-12-15. Review status: criteria provided, single submitter. Criteria: Invitae Variant Classification Sherloc (09022015). Collection method: clinical testing. Allele origin: germline.
Comment: This sequence change replaces arginine, which is basic and polar, with cysteine, which is neutral and slightly polar, at codon 3543 of the USH2A protein (p.Arg3543Cys). This variant is present in population databases (rs769798493, gnomAD 0.01%). This variant has not been reported in the literature in individuals affected with USH2A-related conditions. ClinVar contains an entry for this variant (Variation ID: 2050421). Invitae Evidence Modeling of protein sequence and biophysical properties (such as structural, functional, and spatial information, amino acid conservation, physicochemical variation, residue mobility, and thermodynamic stability) indicates that this missense variant is not expected to disrupt USH2A protein function with a negative predictive value of 95%. In summary, the available evidence is currently insufficient to determine the role of this variant in disease. Therefore, it has been classified as a Variant of Uncertain Significance.

Dept Of Ophthalmology, Nagoya University
Classification: Uncertain significance for Retinal dystrophy. Last evaluated: 2023-10-01. Review status: criteria provided, single submitter. Criteria: Submitter's publication. Collection method: research. Allele origin: germline. Affected: yes.

Blueprint Genetics
Classification: Uncertain significance. Last evaluated: 2018-03-01. Review status: criteria provided, single submitter. Criteria: ACMG Guidelines, 2015. Collection method: clinical testing. Allele origin: germline.